The following is an entry in ClinVar:

NM_052947.4(ALPK2):c.5528T>C (p.Phe1843Ser)

Gene: ALPK2 (alpha kinase 2; minus strand). Cytogenetic location: 18q21.31.
Variant type: single nucleotide variant.
Coding change: c.5528T>C on transcript NM_052947.4 (MANE Select); coding-DNA position 5528, T replaced by C.
Protein change: p.Phe1843Ser; replaces phenylalanine 1843 with serine.
Molecular consequence: missense variant.
Genome position (GRCh38, 1-based): chr18:58,524,036, A>G on the plus strand (T>C on the coding strand, the complement: ALPK2 is on the minus strand). VCF-style: chr18-58524036-A-G. GRCh37 (hg19) VCF-style: chr18-56191268-A-G.
Other names: short protein forms F1843S.
Identifiers: ClinVar variation 1748103 (VCV001748103.2), dbSNP rs552724412, ClinGen allele CA8976452.

ClinVar aggregate classification (germline): Uncertain significance (1 of 4 stars; one submission).

Allele frequency attached by ClinVar (database versions not stated): ExAC 0.00001; gnomAD 0.00001; 1000 Genomes Project 30x 0.00016; 1000 Genomes Project 0.00020.
gnomAD v4.1: 2 of 1,613,934 alleles (0.00012%); highest among the groups gnomAD compares: African/African-American, 0.0027%; no homozygotes.

Submission:

Ambry Genetics
Classification: Uncertain significance. Last evaluated: 2023-12-14. Review status: criteria provided, single submitter. Criteria: Ambry Variant Classification Scheme 2023. Collection method: clinical testing. Allele origin: germline.
Comment: The p.F1843S variant (also known as c.5528T>C), located in coding exon 6 of the ALPK2 gene, results from a T to C substitution at nucleotide position 5528. The phenylalanine at codon 1843 is replaced by serine, an amino acid with highly dissimilar properties. This amino acid position is conserved. In addition, the in silico prediction for this alteration is inconclusive. Since supporting evidence is limited at this time, the clinical significance of this alteration remains unclear.